The following is an entry in ClinVar:

NM_152641.4(ARID2):c.2827A>T (p.Ile943Phe)

Gene: ARID2 (AT-rich interaction domain 2; plus strand). Cytogenetic location: 12q12.
Variant type: single nucleotide variant.
Coding change: c.2827A>T on transcript NM_152641.4 (MANE Select); coding-DNA position 2827, A replaced by T.
Protein change: p.Ile943Phe; replaces isoleucine 943 with phenylalanine.
Molecular consequence: missense variant.
Genome position (GRCh38, 1-based): chr12:45,850,950, A>T. VCF-style: chr12-45850950-A-T. GRCh37 (hg19) VCF-style: chr12-46244733-A-T.
Other names: c.2827A>T, p.Ile943Phe (NM_001347839.2); c.2827A>T (NM_152641.2); short protein forms I943F.
Identifiers: ClinVar variation 3388897 (VCV003388897.15).

ClinVar aggregate classification (germline): Uncertain significance. Review status: criteria provided, multiple submitters, no conflicts (2 of 4 stars). 2 submissions from 2 submitters: Uncertain significance (2). Last evaluated 2024-12-12.

Conditions:
Inborn genetic diseases. Identifiers: MedGen C0950123, MeSH D030342.

Submissions (2):

Ambry Genetics
Classification: Uncertain significance for Inborn genetic diseases. Last evaluated: 2024-12-12. Review status: criteria provided, single submitter. Criteria: Ambry Variant Classification Scheme 2023. Collection method: clinical testing. Allele origin: germline.

CeGaT Center for Human Genetics Tuebingen
Classification: Uncertain significance. Last evaluated: 2024-11-01. Review status: criteria provided, single submitter. Criteria: CeGaT Center For Human Genetics Tuebingen Variant Classification Criteria Version 2. Collection method: clinical testing. Allele origin: germline. Affected: yes. Observed: 1 variant allele.
Comment: ARID2: PM2, PM5